The following is an entry in ClinVar:

NM_018941.4(CLN8):c.306G>C (p.Trp102Cys)

Gene: CLN8 (CLN8 transmembrane ER and ERGIC protein; plus strand). Cytogenetic location: 8p23.3.
Variant type: single nucleotide variant.
Coding change: c.306G>C on transcript NM_018941.4 (MANE Select); coding-DNA position 306, G replaced by C.
Protein change: p.Trp102Cys; replaces tryptophan 102 with cysteine.
Molecular consequence: missense variant.
Genome position (GRCh38, 1-based): chr8:1,771,360, G>C. VCF-style: chr8-1771360-G-C. GRCh37 (hg19) VCF-style: chr8-1719526-G-C.
Other names: short protein forms W102C.
Identifiers: ClinVar variation 954886 (VCV000954886.6), dbSNP rs1554449124, ClinGen allele CA369953282.

ClinVar aggregate classification (germline): Uncertain significance (1 of 4 stars; one submission).

Conditions:
Neuronal ceroid lipofuscinosis. Also called: Neuronal Ceroid Lipofuscinoses. Identifiers: Orphanet 216, Orphanet 79263, MedGen C0027877, MONDO:0016295. Disease mechanism: loss of function.

Submission:

Labcorp Genetics (formerly Invitae), Labcorp
Classification: Uncertain significance for Neuronal ceroid lipofuscinosis. Last evaluated: 2025-04-26. Review status: criteria provided, single submitter. Criteria: Invitae Variant Classification Sherloc (09022015). Collection method: clinical testing. Allele origin: germline.
Comment: This sequence change replaces tryptophan, which is neutral and slightly polar, with cysteine, which is neutral and slightly polar, at codon 102 of the CLN8 protein (p.Trp102Cys). This variant is not present in population databases (gnomAD no frequency). This variant has not been reported in the literature in individuals affected with CLN8-related conditions. ClinVar contains an entry for this variant (Variation ID: 954886). Invitae Evidence Modeling of protein sequence and biophysical properties (such as structural, functional, and spatial information, amino acid conservation, physicochemical variation, residue mobility, and thermodynamic stability) indicates that this missense variant is expected to disrupt CLN8 protein function with a positive predictive value of 95%. In summary, the available evidence is currently insufficient to determine the role of this variant in disease. Therefore, it has been classified as a Variant of Uncertain Significance.